The following is an entry in ClinVar:

NM_003759.4(SLC4A4):c.31A>G (p.Ser11Gly)

Genes: SLC4A4 (solute carrier family 4 member 4; plus strand), LOC129992668 (ATAC-STARR-seq lymphoblastoid active region 21606; plus strand). Cytogenetic location: 4q13.3.
Variant type: single nucleotide variant.
Coding change: c.31A>G on transcript NM_003759.4 (MANE Plus Clinical); coding-DNA position 31, A replaced by G.
Protein change: p.Ser11Gly; replaces serine 11 with glycine.
Molecular consequence: missense variant. On other transcripts: intron variant (2).
Genome position (GRCh38, 1-based): chr4:71,339,279, A>G. VCF-style: chr4-71339279-A-G. GRCh37 (hg19) VCF-style: chr4-72204996-A-G.
Other names: c.31A>G (NM_003759.3); c.254-91A>G (NM_001134742.2, NM_001098484.3); short protein forms S11G.
Identifiers: ClinVar variation 1473222 (VCV001473222.9), dbSNP rs545021444, ClinGen allele CA2954508.

ClinVar aggregate classification (germline): Uncertain significance. Review status: criteria provided, multiple submitters, no conflicts (2 of 4 stars). 3 submissions from 3 submitters: Uncertain significance (3). Last evaluated 2024-05-11.

Conditions:
Inborn genetic diseases. Identifiers: MedGen C0950123, MeSH D030342.
Autosomal recessive proximal renal tubular acidosis (PRTAO). Also called: RENAL TUBULAR ACIDOSIS, PROXIMAL, WITH OCULAR ABNORMALITIES AND IMPAIRED INTELLECTUAL DEVELOPMENT; RTA, PROXIMAL, AUTOSOMAL RECESSIVE; PROXIMAL RENAL TUBULAR ACIDOSIS-OCULAR ANOMALY SYNDROME; RENAL TUBULAR ACIDOSIS, PROXIMAL, WITH OCULAR ABNORMALITIES AND MENTAL RETARDATION. Identifiers: Orphanet 93607, MedGen C1970309, MONDO:0011422, OMIM 604278.

Allele frequency attached by ClinVar (database versions not stated): ExAC 0.00002; gnomAD exomes 0.00002; TOPMed 0.00008; gnomAD 0.00010 and 0.00011; 1000 Genomes Project 30x 0.00016; 1000 Genomes Project 0.00020.
gnomAD v4.1: 24 of 1,614,230 alleles (0.0015%); highest among the groups gnomAD compares: African/African-American, 0.028%; no homozygotes.

Submissions (3):

Fulgent Genetics
Classification: Uncertain significance for Autosomal recessive proximal renal tubular acidosis. Last evaluated: 2024-05-11. Review status: criteria provided, single submitter. Criteria: ACMG Guidelines, 2015. Collection method: clinical testing. Allele origin: germline.

Ambry Genetics
Classification: Uncertain significance for Inborn genetic diseases. Last evaluated: 2024-01-17. Review status: criteria provided, single submitter. Criteria: Ambry Variant Classification Scheme 2023. Collection method: clinical testing. Allele origin: germline.

Labcorp Genetics (formerly Invitae), Labcorp
Classification: Uncertain significance. Last evaluated: 2021-09-01. Review status: criteria provided, single submitter. Criteria: Invitae Variant Classification Sherloc (09022015). Collection method: clinical testing. Allele origin: germline.
Comment: This sequence change replaces serine with glycine at codon 11 of the SLC4A4 protein (p.Ser11Gly). The serine residue is weakly conserved and there is a small physicochemical difference between serine and glycine. This variant is present in population databases (rs545021444, ExAC 0.02%). This variant has not been reported in the literature in individuals affected with SLC4A4-related conditions. Algorithms developed to predict the effect of missense changes on protein structure and function are either unavailable or do not agree on the potential impact of this missense change (SIFT: "Deleterious"; PolyPhen-2: "Benign"; Align-GVGD: "Class C0"). In summary, the available evidence is currently insufficient to determine the role of this variant in disease. Therefore, it has been classified as a Variant of Uncertain Significance.